The following is an entry in ClinVar:

NM_194248.3(OTOF):c.2485C>T (p.Gln829Ter)

Gene: OTOF (otoferlin; minus strand). Cytogenetic location: 2p23.3.
Variant type: single nucleotide variant.
Coding change: c.2485C>T on transcript NM_194248.3 (MANE Select); coding-DNA position 2485, C replaced by T.
Protein change: p.Gln829Ter; replaces glutamine 829 with a stop codon.
Molecular consequence: nonsense.
Genome position (GRCh38, 1-based): chr2:26,477,210, G>A on the plus strand (C>T on the coding strand, the complement: OTOF is on the minus strand). VCF-style: chr2-26477210-G-A. GRCh37 (hg19) VCF-style: chr2-26700078-G-A.
Other names: NM_194248.3(OTOF):c.2485C>T; c.2485C>T, p.Gln829Ter (NM_001287489.2); c.244C>T, p.Gln82Ter (NM_004802.4, NM_194323.3); c.415C>T, p.Gln139Ter (NM_194322.3); short protein forms Q829*, Q139*, Q82*.
Identifiers: ClinVar variation 6137 (VCV000006137.24), dbSNP rs80356593, ClinGen allele CA340525.
Genomic context (GRCh38, chr2:26,477,210, plus strand): 5'-GCCCCGACCCCTTGGGCCGCACCTCGTCCGCCAGGAAGCGCAGCTTCTGCAGGAAGTTCT[G>A]GCACAGCCTCAGCTTGTCCCGCACCGTGTGCCGCTTCACCTGGGCCCGCAGCATCCTGGC-3'

ClinVar aggregate classification (germline): Pathogenic. Review status: reviewed by expert panel (3 of 4 stars). 12 submissions from 12 submitters: Pathogenic (1). 11 of the submissions do not count toward it. Last evaluated 2022-05-13.

Conditions:
OTOF-related disorder. Also called: OTOF-related condition.
Rare genetic deafness. Identifiers: Orphanet 96210, MedGen C5680250.
Nonsyndromic genetic hearing loss. Also called: Nonsyndromic hearing loss and deafness; Non-syndromic genetic deafness; Nonsyndromic genetic deafness. Identifiers: Orphanet 87884, MedGen C5680182, MONDO:0019497.
Autosomal recessive nonsyndromic hearing loss 9. Also called: Deafness, autosomal recessive 9; NEUROSENSORY NONSYNDROMIC RECESSIVE DEAFNESS 9; OTOF-Related Hearing Loss; AUDITORY NEUROPATHY, AUTOSOMAL RECESSIVE, 1, TEMPERATURE-SENSITIVE. Identifiers: Orphanet 90636, MedGen C1832828, MONDO:0010986, OMIM 601071.

Allele frequency attached by ClinVar (database versions not stated): gnomAD 0.00004; TOPMed 0.00013; ExAC 0.00020; gnomAD exomes 0.00007 and 0.00017; 1000 Genomes Project 0.00040; 1000 Genomes Project 30x 0.00047.
gnomAD v4.1: 105 of 1,610,770 alleles (0.0065%); highest among the groups gnomAD compares: Admixed American, 0.057%; no homozygotes.

Submissions (12):

ClinGen Hearing Loss Variant Curation Expert Panel
Classification: Pathogenic for Nonsyndromic genetic hearing loss. Last evaluated: 2022-05-13. Review status: reviewed by expert panel. Criteria: clingen hl acmg specifications otof myo15a v1. Collection method: curation. Allele origin: germline. Inheritance: Autosomal recessive inheritance.
Comment: The filtering allele frequency (the lower threshold of the 95% CI of 22/34228) of the c.2485C>T (p.Gln829Ter) variant in the OTOF gene is 0.04% for Latino chromosomes in gnomAD v2.1.1, which meets the cutoff to apply BS1_Supporting. However, this variant has been established as a founder variant in the Spanish population and is thought to be causative in 3% of cases of deafness in the Spanish population (BS1_Supporting not applicable; PMID: 27177047). The p.Gln829Ter variant in OTOF is predicted to cause a premature stop codon in biologically-relevant-exon 21/46 (NM_001287489) that leads to a truncated or absent protein in a gene in which loss-of-function is an established mechanism (PVS1; PMID: 30192042). The p.Gln829Ter variant has been identified in >50 patients with non-syndromic hearing loss (PM3_VeryStrong; PMIDs: 18381613, 17036997, 16371502, 14635104, 12114484). It has repeatedly been reported to segregate with hearing loss (PP1_Strong; PMIDs: 12114484, 14635104,16371502, 18381613). In addition to hearing loss, at least 24 patients reported to have the p.Gln829Ter variant presented with features of auditory neuropathy spectrum disorder, which is highly specific to OTOF and autosomal recessive hearing loss (PP4; PMIDs:18381613, 17036997, 14635104). In summary, the p.Gln829Ter variant in OTOF meets criteria to be classified as pathogenic for autosomal recessive nonsyndromic hearing loss based on the ACMG/AMP criteria applied, as specified by the Hearing Loss Expert Panel: PVS1, PP1_Strong, PM3_VeryStrong, PP4.

PreventionGenetics, part of Exact Sciences
Classification: Pathogenic for OTOF-related condition. Last evaluated: 2026-01-26. Review status: criteria provided, single submitter. Criteria: ACMG Guidelines, 2015. Collection method: clinical testing. Allele origin: germline. Not counted in ClinVar's aggregate classification.
Comment: The OTOF c.2485C>T variant is predicted to result in premature protein termination (p.Gln829*). This variant has been reported to be causative for autosomal recessive hearing loss and auditory neuropathy spectrum disorder (Migliosi et al. 2002. PubMed ID: 12114484; Rodríguez-Ballesteros et al. 2003. PubMed ID: 14635104; García-García et al. 2020. PubMed ID: 33297549; Peart et al. 2023. PubMed ID: 37996878). This variant is reported in 0.064% of alleles in individuals of Latino descent in gnomAD. Nonsense variants in OTOF are expected to be pathogenic. This variant is interpreted as pathogenic.

Labcorp Genetics (formerly Invitae), Labcorp
Classification: Pathogenic. Last evaluated: 2026-01-13. Review status: criteria provided, single submitter. Criteria: Invitae Variant Classification Sherloc (09022015). Collection method: clinical testing. Allele origin: germline. Not counted in ClinVar's aggregate classification.
Comment: This sequence change creates a premature translational stop signal (p.Gln829*) in the OTOF gene. It is expected to result in an absent or disrupted protein product. Loss-of-function variants in OTOF are known to be pathogenic (PMID: 18381613, 19250381, 22575033). This variant is present in population databases (rs80356593, gnomAD 0.07%). This premature translational stop signal has been observed in individuals with non-syndromic, prelingual sensorineural hearing loss (PMID: 12114484, 14635104, 16226319, 16371502, 17036997, 18381613). It is commonly reported in individuals of Spanish ancestry (PMID: 18381613). ClinVar contains an entry for this variant (Variation ID: 6137). For these reasons, this variant has been classified as Pathogenic.

Women's Health and Genetics/Laboratory Corporation of America, LabCorp
Classification: Pathogenic for Nonsyndromic genetic hearing loss. Last evaluated: 2023-11-15. Review status: criteria provided, single submitter. Criteria: LabCorp Variant Classification Summary - May 2015. Collection method: clinical testing. Allele origin: germline. Not counted in ClinVar's aggregate classification.
Comment: Variant summary: OTOF c.2485C>T (p.Gln829X) results in a premature termination codon, predicted to cause a truncation of the encoded protein or absence of the protein due to nonsense mediated decay, which are commonly known mechanisms for disease. The variant allele was found at a frequency of 0.00017 in 243966 control chromosomes. This frequency is not significantly higher than estimated for a pathogenic variant in OTOF causing Nonsyndromic Hearing Loss And Deafness, Type 9 (0.00017 vs 0.0011), allowing no conclusion about variant significance. c.2485C>T has been reported in the literature in multiple homozygous and compound heterozygous individuals affected with Nonsyndromic Hearing Loss And Deafness (e.g. Rodriguez-Ballesteros_2008). These data indicate that the variant is very likely to be associated with disease. To our knowledge, no experimental evidence demonstrating an impact on protein function has been reported. The following publication has been ascertained in the context of this evaluation (PMID: 18381613). Six submitters have cited clinical-significance assessments for this variant to ClinVar after 2014. All submitters classified the variant as pathogenic. Based on the evidence outlined above, the variant was classified as pathogenic.

Blueprint Genetics
Classification: Pathogenic for OTOF-related disorders. Last evaluated: 2023-11-14. Review status: criteria provided, single submitter. Criteria: ACMG Guidelines, 2015. Collection method: clinical testing. Allele origin: germline. Affected: yes. Observed: 5 variant alleles. Not counted in ClinVar's aggregate classification.

Baylor Genetics
Classification: Pathogenic for Autosomal recessive nonsyndromic hearing loss 9. Last evaluated: 2022-12-05. Review status: criteria provided, single submitter. Criteria: ACMG Guidelines, 2015. Collection method: clinical testing. Allele origin: unknown. Not counted in ClinVar's aggregate classification.

Department of Pathology and Laboratory Medicine, Sinai Health System
Classification: Pathogenic for Autosomal recessive nonsyndromic hearing loss 9. Last evaluated: 2022-05-17. Review status: criteria provided, single submitter. Criteria: ACMG Guidelines, 2015. Collection method: research. Allele origin: germline. Not counted in ClinVar's aggregate classification.

GeneDx
Classification: Pathogenic. Last evaluated: 2021-10-08. Review status: criteria provided, single submitter. Criteria: GeneDx Variant Classification Process June 2021. Collection method: clinical testing. Allele origin: germline. Affected: yes. Not counted in ClinVar's aggregate classification.
Comment: Nonsense variant predicted to result in protein truncation or nonsense mediated decay in a gene for which loss-of-function is a known mechanism of disease; This variant is associated with the following publications: (PMID: 16226319, 12114484, 25525159, 16371502, 31589614, 18381613, 14635104, 17036997, 31980526, 27177047, 33297549)

AiLife Diagnostics
Classification: Pathogenic. Last evaluated: 2020-07-09. Review status: criteria provided, single submitter. Criteria: ACMG Guidelines, 2015. Collection method: clinical testing. Allele origin: germline. Affected: yes. Observed: 1 variant allele. Not counted in ClinVar's aggregate classification.

Laboratory for Molecular Medicine, Mass General Brigham Personalized Medicine
Classification: Pathogenic for Rare genetic deafness. Last evaluated: 2019-03-20. Review status: criteria provided, single submitter. Criteria: LMM Criteria. Collection method: clinical testing. Allele origin: germline. Inheritance: Autosomal recessive inheritance. Observed: 10 variant alleles. Not counted in ClinVar's aggregate classification.
Comment: The p.Gln829X variant in OTOF has been previously reported in >30 individuals with hearing loss or auditory neuropathy, all of whom were homozygous or compound heterozygous for a second pathogenic OTOF variant, and segregated in >10 affected relatives (Migliosi 2002, Rodriguez-Ballesteros 2003, Rodriguez-Ballesteros 2008, Varga 2006). This variant has been identified in 0.06% (22/34228) of Latino chromosomes by gnomAD, and has been reported to be a founder variant in the Spanish population based on linkage data (Migliosi 2002). This nonsense variant leads to a premature termination codon at position 829, which is predicted to lead to a truncated or absent protein. Loss of function of the OTOF gene is an established disease mechanism in autosomal recessive auditory neuropathy spectrum disorder. In summary, this variant meets criteria to be classified as pathogenic for autosomal recessive auditory neuropathy spectrum disorder. ACMG/AMP criteria applied: PVS1, PM3_VeryStrong, PP1_Strong, PM2_Supporting.

OMIM
Classification: Pathogenic for DEAFNESS, AUTOSOMAL RECESSIVE 9. Last evaluated: 2006-07-01. Review status: no assertion criteria provided. Collection method: literature only. Allele origin: germline. Not counted in ClinVar's aggregate classification.

GeneReviews
No classification provided. Condition: Autosomal recessive nonsyndromic hearing loss 9. Review status: no classification provided. Collection method: literature only. Allele origin: germline. Affected: yes. Not counted in ClinVar's aggregate classification.

Literature cited by the submitters: PubMed 18381613 (cited by 3 submitters); PubMed 19250381 (cited by Labcorp Genetics (formerly Invitae), Labcorp); PubMed 22575033 (cited by Labcorp Genetics (formerly Invitae), Labcorp); PubMed 12114484 (cited by 5 submitters); PubMed 14635104 (cited by 3 submitters); PubMed 16226319 (cited by Labcorp Genetics (formerly Invitae), Labcorp); PubMed 16371502 (cited by 3 submitters); PubMed 17036997 (cited by Labcorp Genetics (formerly Invitae), Labcorp and AiLife Diagnostics); PubMed 27177047 (cited by AiLife Diagnostics and Laboratory for Molecular Medicine, Mass General Brigham Personalized Medicine); PubMed 25525159 (cited by AiLife Diagnostics); NCBI Bookshelf NBK1251 (cited by GeneReviews).